The following is an entry in ClinVar:

ClinVar aggregate classification (germline): Uncertain significance. Review status: criteria provided, multiple submitters, no conflicts (2 of 4 stars). 4 submissions from 4 submitters: Uncertain significance (4). Last evaluated 2025-10-05.

Conditions:
Hereditary cancer-predisposing syndrome. Also called: Hereditary neoplastic syndrome; Hereditary Cancer Syndrome; Tumor predisposition; Neoplastic Syndromes, Hereditary. Identifiers: Orphanet 140162, MedGen C0027672, MeSH D009386, MONDO:0015356.
Fanconi anemia (FA). Also called: Fanconi's anemia. Identifiers: Orphanet 84, MedGen C0015625, MeSH D005199, MONDO:0019391.

Allele frequency attached by ClinVar (database versions not stated): gnomAD exomes below 0.00001; TOPMed below 0.00001.
gnomAD v4.1: 4 of 1,595,646 alleles (0.00025%); highest among the groups gnomAD compares: African/African-American, 0.0013%; no homozygotes.

Submissions (4):

Women's Health and Genetics/Laboratory Corporation of America, LabCorp
Classification: Uncertain significance. Last evaluated: 2025-10-05. Review status: criteria provided, single submitter. Criteria: LabCorp Variant Classification Summary - May 2015. Collection method: clinical testing. Allele origin: germline.

Blueprint Genetics
Classification: Uncertain significance. Last evaluated: 2024-09-16. Review status: criteria provided, single submitter. Criteria: ACMG Guidelines, 2015. Collection method: clinical testing. Allele origin: germline.

Ambry Genetics
Classification: Uncertain significance for Hereditary cancer-predisposing syndrome. Last evaluated: 2024-02-02. Review status: criteria provided, single submitter. Criteria: Ambry Variant Classification Scheme 2023. Collection method: clinical testing. Allele origin: germline.
Comment: The c.345+3A>G intronic variant results from an A to G substitution 3 nucleotides after coding exon 3 in the FANCC gene. This nucleotide position is well conserved in available vertebrate species. In silico splice site analysis predicts that this alteration will not have any significant effect on splicing. Since supporting evidence is limited at this time, the clinical significance of this alteration remains unclear.

Labcorp Genetics (formerly Invitae), Labcorp
Classification: Uncertain significance for Fanconi anemia. Last evaluated: 2022-08-25. Review status: criteria provided, single submitter. Criteria: Invitae Variant Classification Sherloc (09022015). Collection method: clinical testing. Allele origin: germline.
Comment: This sequence change falls in intron 4 of the FANCC gene. It does not directly change the encoded amino acid sequence of the FANCC protein. It affects a nucleotide within the consensus splice site. This variant is not present in population databases (gnomAD no frequency). This variant has not been reported in the literature in individuals affected with FANCC-related conditions. Variants that disrupt the consensus splice site are a relatively common cause of aberrant splicing (PMID: 17576681, 9536098). Algorithms developed to predict the effect of sequence changes on RNA splicing suggest that this variant is not likely to affect RNA splicing. In summary, the available evidence is currently insufficient to determine the role of this variant in disease. Therefore, it has been classified as a Variant of Uncertain Significance.

Literature cited by the submitters: PubMed 17576681 (cited by Labcorp Genetics (formerly Invitae), Labcorp); PubMed 9536098 (cited by Labcorp Genetics (formerly Invitae), Labcorp).

NM_000136.3(FANCC):c.345+3A>G

Gene: FANCC (FA complementation group C; minus strand). Cytogenetic location: 9q22.32.
Variant type: single nucleotide variant.
Coding change: c.345+3A>G on transcript NM_000136.3 (MANE Select); 3 bases into the intron after coding-DNA position 345, A replaced by G.
Molecular consequence: intron variant.
Genome position (GRCh38, 1-based): chr9:95,240,646, T>C on the plus strand (A>G on the coding strand, the complement: FANCC is on the minus strand). VCF-style: chr9-95240646-T-C. GRCh37 (hg19) VCF-style: chr9-98002928-T-C.
Other names: c.345+3A>G (NM_001243743.2, NM_001243744.2).
Identifiers: ClinVar variation 1731560 (VCV001731560.6), dbSNP rs1830579368, ClinGen allele CA913160941.